The following is an entry in ClinVar:

ClinVar aggregate classification (germline): Uncertain significance (1 of 4 stars; one submission).

Submission:

GeneDx
Classification: Uncertain significance. Last evaluated: 2025-03-13. Review status: criteria provided, single submitter. Criteria: GeneDx Variant Classification Process June 2021. Collection method: clinical testing. Allele origin: germline. Affected: yes.
Comment: Not observed at significant frequency in large population cohorts (gnomAD); In silico analysis supports that this missense variant has a deleterious effect on protein structure/function; Has not been previously published as pathogenic or benign to our knowledge

NM_130839.5(UBE3A):c.1093A>T (p.Ile365Phe)

Genes: SNHG14 (small nucleolar RNA host gene 14; plus strand), UBE3A (ubiquitin protein ligase E3A; minus strand). Cytogenetic location: 15q11.2.
Variant type: single nucleotide variant.
Coding change: c.1093A>T on transcript NM_130839.5 (MANE Select); coding-DNA position 1093, A replaced by T.
Protein change: p.Ile365Phe; replaces isoleucine 365 with phenylalanine.
Molecular consequence: missense variant. On other transcripts: non-coding transcript variant (1), intron variant (2).
Genome position (GRCh38, 1-based): chr15:25,371,081, T>A on the plus strand (A>T on the coding strand, the complement: UBE3A is on the minus strand). VCF-style: chr15-25371081-T-A. GRCh37 (hg19) VCF-style: chr15-25616228-T-A.
Other names: c.1102A>T, p.Ile368Phe (NM_000462.5); c.1093A>T, p.Ile365Phe (NM_001354505.1, NM_001354545.2, NM_001354538.2); c.1033A>T, p.Ile345Phe (NM_001354506.2, NM_001354507.2, NM_001354541.2 and 17 more transcripts); c.916A>T, p.Ile306Phe (NM_001354546.2); c.301+4384A>T (NM_001354551.2); c.361+4384A>T (NM_001354550.2); short protein forms I306F, I345F, I365F, I368F.
Identifiers: ClinVar variation 4083377 (VCV004083377.1).